The following is an entry in ClinVar:

ClinVar aggregate classification (germline): Uncertain significance (1 of 4 stars; one submission).

Conditions:
Spondyloepimetaphyseal dysplasia with joint laxity (SEMDJL). Identifiers: MedGen C0432243, MONDO:0019675.
Ehlers-Danlos syndrome, spondylodysplastic type, 2 (EDSSPD2). Also called: Ehlers-Danlos syndrome, progeroid type, 2. Identifiers: Orphanet 536467, Orphanet 75496, MedGen C3809210, MONDO:0014139, OMIM 615349.

Submission:

Labcorp Genetics (formerly Invitae), Labcorp
Classification: Uncertain significance for Ehlers-Danlos syndrome, spondylodysplastic type, 2; Spondyloepimetaphyseal dysplasia with joint laxity. Last evaluated: 2024-11-04. Review status: criteria provided, single submitter. Criteria: Invitae Variant Classification Sherloc (09022015). Collection method: clinical testing. Allele origin: germline.
Comment: This sequence change replaces alanine, which is neutral and non-polar, with threonine, which is neutral and polar, at codon 24 of the B3GALT6 protein (p.Ala24Thr). The frequency data for this variant in the population databases is considered unreliable, as metrics indicate insufficient coverage at this position in the gnomAD database. This variant has not been reported in the literature in individuals affected with B3GALT6-related conditions. An algorithm developed to predict the effect of missense changes on protein structure and function outputs the following: PolyPhen-2: "Benign". The threonine amino acid residue is found in multiple mammalian species, which suggests that this missense change does not adversely affect protein function. In summary, the available evidence is currently insufficient to determine the role of this variant in disease. Therefore, it has been classified as a Variant of Uncertain Significance.

NM_080605.4(B3GALT6):c.70G>A (p.Ala24Thr)

Gene: B3GALT6 (beta-1,3-galactosyltransferase 6; plus strand). Cytogenetic location: 1p36.33.
Variant type: single nucleotide variant.
Coding change: c.70G>A on transcript NM_080605.4 (MANE Select); coding-DNA position 70, G replaced by A.
Protein change: p.Ala24Thr; replaces alanine 24 with threonine.
Molecular consequence: missense variant.
Genome position (GRCh38, 1-based): chr1:1,232,348, G>A. VCF-style: chr1-1232348-G-A. GRCh37 (hg19) VCF-style: chr1-1167728-G-A.
Other names: short protein forms A24T.
Identifiers: ClinVar variation 3749436 (VCV003749436.2).